The following is an entry in ClinVar:

ClinVar aggregate classification (germline): Uncertain significance. Review status: criteria provided, multiple submitters, no conflicts (2 of 4 stars). 4 submissions from 4 submitters: Uncertain significance (4). Last evaluated 2026-04-13.

Conditions:
Hereditary cancer-predisposing syndrome. Also called: Tumor predisposition; Hereditary neoplastic syndrome; Neoplastic Syndromes, Hereditary; Hereditary Cancer Syndrome. Identifiers: Orphanet 140162, MedGen C0027672, MeSH D009386, MONDO:0015356.
Tumor predisposition syndrome 3 (TPDS3). Also called: Glioma susceptibility 9; LONG TELOMERE SYNDROME, POT1-RELATED; POT1 Tumor Predisposition; Melanoma, cutaneous malignant, susceptibility to, 10. Identifiers: Orphanet 618, MedGen C4014476, MONDO:0014368, OMIM 615848.

Allele frequency attached by ClinVar (database versions not stated): gnomAD exomes 0.00002 and 0.00005; TOPMed 0.00002; ExAC 0.00003; gnomAD 0.00003.
gnomAD v4.1: 77 of 1,611,394 alleles (0.0048%); highest among the groups gnomAD compares: Non-Finnish European, 0.0063%; no homozygotes.

Submissions (4):

Ambry Genetics
Classification: Uncertain significance for Hereditary cancer-predisposing syndrome. Last evaluated: 2026-04-13. Review status: criteria provided, single submitter. Criteria: Ambry Variant Classification Scheme 2023. Collection method: clinical testing. Allele origin: germline.
Comment: The p.K581R variant (also known as c.1742A>G), located in coding exon 14 of the POT1 gene, results from an A to G substitution at nucleotide position 1742. The lysine at codon 581 is replaced by arginine, an amino acid with highly similar properties. This amino acid position is not well conserved in available vertebrate species. In addition, this alteration is predicted to be tolerated by in silico analysis. Based on the available evidence, the clinical significance of this alteration remains unclear.

Labcorp Genetics (formerly Invitae), Labcorp
Classification: Uncertain significance for Tumor predisposition syndrome 3. Last evaluated: 2026-01-05. Review status: criteria provided, single submitter. Criteria: Invitae Variant Classification Sherloc (09022015). Collection method: clinical testing. Allele origin: germline.
Comment: This sequence change replaces lysine, which is basic and polar, with arginine, which is basic and polar, at codon 581 of the POT1 protein (p.Lys581Arg). This variant is present in population databases (rs201023336, gnomAD 0.006%). This missense change has been observed in individual(s) with melanoma (PMID: 30414346, 36539277). ClinVar contains an entry for this variant (Variation ID: 486134). Invitae Evidence Modeling of protein sequence and biophysical properties (such as structural, functional, and spatial information, amino acid conservation, physicochemical variation, residue mobility, and thermodynamic stability) indicates that this missense variant is not expected to disrupt POT1 protein function with a negative predictive value of 80%. In summary, the available evidence is currently insufficient to determine the role of this variant in disease. Therefore, it has been classified as a Variant of Uncertain Significance.

GeneDx
Classification: Uncertain significance. Last evaluated: 2024-08-14. Review status: criteria provided, single submitter. Criteria: GeneDx Variant Classification Process June 2021. Collection method: clinical testing. Allele origin: germline. Affected: yes.
Comment: In silico analysis indicates that this missense variant does not alter protein structure/function; Published functional studies demonstrate no damaging effect: no disruption of POT1-telomere binding or expression (PMID: 36539277); This variant is associated with the following publications: (PMID: 28393830, 30414346, 36539277)

Quest Diagnostics Nichols Institute San Juan Capistrano
Classification: Uncertain significance. Last evaluated: 2024-01-25. Review status: criteria provided, single submitter. Criteria: Quest Diagnostics criteria. Collection method: clinical testing. Allele origin: unknown.
Comment: The POT1 c.1742A>G (p.Lys581Arg) variant has been reported in the published literature in individuals with melanoma (PMIDs: 30414346 (2019) and 36539277 (2022)). In a POT1-telomere binding assay, the variant showed no deleterious effect on POT1-ssDNA complex formation (PMID: 36539277 (2022)). The frequency of this variant in the general population, 0.000054 (7/128628 chromosomes (Genome Aggregation Database)), is uninformative in the assessment of its pathogenicity. Analysis of this variant using bioinformatics tools for the prediction of the effect of amino acid changes on protein structure and function yielded predictions that this variant is benign. Based on the available information, we are unable to determine the clinical significance of this variant.

Literature cited by the submitters: PubMed 30414346 (cited by 3 submitters); PubMed 36539277 (cited by 3 submitters).

NM_015450.3(POT1):c.1742A>G (p.Lys581Arg)

Gene: POT1 (protection of telomeres 1; minus strand). Cytogenetic location: 7q31.33.
Variant type: single nucleotide variant.
Coding change: c.1742A>G on transcript NM_015450.3 (MANE Select); coding-DNA position 1742, A replaced by G.
Protein change: p.Lys581Arg; replaces lysine 581 with arginine.
Molecular consequence: missense variant. On other transcripts: non-coding transcript variant (3).
Genome position (GRCh38, 1-based): chr7:124,825,302, T>C on the plus strand (A>G on the coding strand, the complement: POT1 is on the minus strand). VCF-style: chr7-124825302-T-C. GRCh37 (hg19) VCF-style: chr7-124465356-T-C.
Other names: c.1349A>G, p.Lys450Arg (NM_001042594.2); short protein forms K581R, K450R.
Identifiers: ClinVar variation 486134 (VCV000486134.16), dbSNP rs201023336, ClinGen allele CA4464993.
Genomic context (GRCh38, chr7:124,825,302, plus strand): 5'-TCTTGCCTACCAATTTTTATTCCTGGAGGACAAAACATATCCATGATCATATCCACACTT[T>C]TCTGAAGGTCATCATCCATCAGAACTTCTGATGCTGGAATCTGGAAGAATTTGTCCTTAA-3'
Protein context (NP_056265.2, residues 571-591): SEVLMDDDLQ[Lys581Arg]SVDMIMDMFC